The following is an entry in ClinVar:

NM_024426.6(WT1):c.1440T>C (p.Gly480=)

Gene: WT1 (WT1 transcription factor; minus strand). Cytogenetic location: 11p13.
Variant type: single nucleotide variant.
Coding change: c.1440T>C on transcript NM_024426.6 (MANE Select); coding-DNA position 1440, T replaced by C.
Protein change: p.Gly480=; no amino-acid change (glycine 480 retained).
Molecular consequence: synonymous variant. On other transcripts: non-coding transcript variant (1), splice donor variant (5), intron variant (2).
Genome position (GRCh38, 1-based): chr11:32,391,979, A>G on the plus strand (T>C on the coding strand, the complement: WT1 is on the minus strand). VCF-style: chr11-32391979-A-G. GRCh37 (hg19) VCF-style: chr11-32413525-A-G.
Other names: c.738T>C, p.Gly246= (NM_001198552.2); c.252T>C, p.Gly84= (NM_001367854.1); c.1389T>C, p.Gly463= (NM_001407045.1); c.1299T>C, p.Gly433= (NM_001407048.1); c.1266T>C, p.Gly422= (NM_001407050.1); c.678T>C, p.Gly226= (NM_001407051.1); c.1374T>C, p.Gly458= (NM_024425.2); c.1315+2T>C (NM_001407047.1); and 7 more.
Identifiers: ClinVar variation 2559131 (VCV002559131.2), dbSNP rs2132913596, ClinGen allele CA379958680.
Genomic context (GRCh38, chr11:32,391,979, plus strand): 5'-CACAATAGTTTAAAAAAATAATGAAAAATAAATGTGAAGAAAAGTTTACGCACTTGTTTT[A>G]CCTGTATGAGTCCTGGTGTGGGTCTTCAGGTGGTCGGACCGGGAGAACTTTCGCTGACAA-3'
Protein context (NP_077744.4, residues 470-490): HLKTHTRTHT[Gly480=]KTSEKPFSCR

ClinVar aggregate classification (germline): Conflicting classifications of pathogenicity. Review status: criteria provided, conflicting classifications (1 of 4 stars). 2 submissions from 2 submitters: Uncertain significance (1); Likely benign (1). Last evaluated 2023-08-11.

Conditions:
WT1-related disorder. Also called: WT1-related disorders. Identifiers: MedGen CN377814.
Inborn genetic diseases. Identifiers: MedGen C0950123, MeSH D030342.

Submissions (2):

PreventionGenetics, part of Exact Sciences
Classification: Uncertain significance for WT1-related condition. Last evaluated: 2023-08-11. Review status: criteria provided, single submitter. Criteria: ACMG Guidelines, 2015. Collection method: clinical testing. Allele origin: germline.
Comment: The WT1 c.1423+2T>C variant is predicted to disrupt the GT donor site and interfere with normal splicing. However, in the more commonly reported transcript (NM_024426.6) this variant is designated as c.1440T>C, which is not predicted to result in an amino acid change (p.=). To our knowledge, this variant has not been reported in the literature or in a large population database, indicating this variant is rare. Although we suspect that this variant may be pathogenic, at this time, the clinical significance of this variant is uncertain due to the absence of conclusive functional and genetic evidence.

Ambry Genetics
Classification: Likely benign for Inborn genetic diseases. Last evaluated: 2023-06-07. Review status: criteria provided, single submitter. Criteria: Ambry General Variant Classification Scheme_2022. Collection method: clinical testing. Allele origin: germline.